The following is an entry in ClinVar:

ClinVar aggregate classification (germline): Benign/Likely benign. Review status: criteria provided, multiple submitters, no conflicts (2 of 4 stars). 4 submissions from 4 submitters: Benign (1); Likely benign (2). 1 of the submissions does not count toward it. Last evaluated 2026-02-01.

Conditions:
WDR81-related disorder. Also called: WDR81-related condition.

Allele frequency attached by ClinVar (database versions not stated): ESP Exome Variant Server 0.00044; 1000 Genomes Project 30x 0.00094; TOPMed 0.00096; 1000 Genomes Project 0.00100; gnomAD 0.00111 and 0.00114; gnomAD exomes 0.00142 and 0.00144; ExAC 0.00189.
gnomAD v4.1: 2,177 of 1,550,572 alleles (0.14%); highest among the groups gnomAD compares: Middle Eastern, 0.53%; 6 homozygotes.

Submissions (4):

CeGaT Center for Human Genetics Tuebingen
Classification: Likely benign. Last evaluated: 2026-02-01. Review status: criteria provided, single submitter. Criteria: CeGaT Center For Human Genetics Tuebingen Variant Classification Criteria Version 2. Collection method: clinical testing. Allele origin: germline. Affected: yes. Observed: 11 variant alleles.
Comment: WDR81: BP4, BP7

Blueprint Genetics
Classification: Likely benign. Last evaluated: 2024-10-03. Review status: criteria provided, single submitter. Criteria: ACMG Guidelines, 2015. Collection method: clinical testing. Allele origin: germline.

Labcorp Genetics (formerly Invitae), Labcorp
Classification: Benign. Last evaluated: 2019-12-31. Review status: criteria provided, single submitter. Criteria: Invitae Variant Classification Sherloc (09022015). Collection method: clinical testing. Allele origin: germline.

PreventionGenetics, part of Exact Sciences
Classification: Likely benign for WDR81-related condition. Last evaluated: 2019-03-11. Review status: no assertion criteria provided. Collection method: clinical testing. Allele origin: germline. Not counted in ClinVar's aggregate classification.
Comment: This variant is classified as likely benign based on ACMG/AMP sequence variant interpretation guidelines (Richards et al. 2015 PMID: 25741868, with internal and published modifications).

NM_001163809.2(WDR81):c.2871T>C (p.Asn957=)

Gene: WDR81 (WD repeat domain 81; plus strand). Cytogenetic location: 17p13.3.
Variant type: single nucleotide variant.
Coding change: c.2871T>C on transcript NM_001163809.2 (MANE Select); coding-DNA position 2871, T replaced by C.
Protein change: p.Asn957=; no amino-acid change (asparagine 957 retained).
Molecular consequence: synonymous variant. On other transcripts: intron variant (3).
Genome position (GRCh38, 1-based): chr17:1,727,830, T>C. VCF-style: chr17-1727830-T-C. GRCh37 (hg19) VCF-style: chr17-1631124-T-C.
Other names: c.-123-160T>C (NM_152348.4); c.59-2550T>C (NM_001163673.2); c.-14-2550T>C (NM_001163811.2).
Identifiers: ClinVar variation 734275 (VCV000734275.48), dbSNP rs369322431, ClinGen allele CA8273149.
Genomic context (GRCh38, chr17:1,727,830, plus strand): 5'-AGCTGTGTACACGGCCTGGTATCTGTTTGAGCCTGTTGCCAAGGCACTGGGCCCCAAAAA[T>C]GCCAATAAGTACCTCCTGAAGCCGCTCATTGGTGCCTACGAGAGCCCCTGCCAGCTACAC-3'
Protein context (NP_001157281.1, residues 947-967): EPVAKALGPK[Asn957=]ANKYLLKPLI